The following is an entry in ClinVar:

NM_001289808.2(CRYAB):c.38C>T (p.Pro13Leu)

Gene: CRYAB (crystallin alpha B; minus strand). Cytogenetic location: 11q23.1.
Variant type: single nucleotide variant.
Coding change: c.38C>T on transcript NM_001289808.2 (MANE Select); coding-DNA position 38, C replaced by T.
Protein change: p.Pro13Leu; replaces proline 13 with leucine.
Molecular consequence: missense variant.
Genome position (GRCh38, 1-based): chr11:111,911,687, G>A on the plus strand (C>T on the coding strand, the complement: CRYAB is on the minus strand). VCF-style: chr11-111911687-G-A. GRCh37 (hg19) VCF-style: chr11-111782411-G-A.
Other names: c.38C>T, p.Pro13Leu (NM_001289807.1, NM_001368245.1, NM_001885.3); short protein forms P13L.
Identifiers: ClinVar variation 1418810 (VCV001418810.6), dbSNP rs1461109639, ClinGen allele CA382601029.
Genomic context (GRCh38, chr11:111,911,687, plus strand): 5'-AACAGGTGCTCTCCGAAGAACTGGTCAAAGAGGCGGCTGGGGGAGTGGAAAGGAAAGAAG[G>A]GGCGGCGGATCCAGGGGTGGTGGATGGCGATGTCCATGGTGGCTAGGTGAGTGTGAGGGG-3'
Protein context (NP_001276737.1, residues 3-23): IAIHHPWIRR[Pro13Leu]FFPFHSPSRL

ClinVar aggregate classification (germline): Uncertain significance (1 of 4 stars; one submission).

Conditions:
Dilated cardiomyopathy 1II (CMD1II). Identifiers: Orphanet 154, MedGen C3554649, MONDO:0014073, OMIM 615184.

Allele frequency attached by ClinVar (database versions not stated): TOPMed below 0.00001; gnomAD 0.00001.

Submission:

Labcorp Genetics (formerly Invitae), Labcorp
Classification: Uncertain significance for Dilated cardiomyopathy 1II. Last evaluated: 2024-06-17. Review status: criteria provided, single submitter. Criteria: Invitae Variant Classification Sherloc (09022015). Collection method: clinical testing. Allele origin: germline.
Comment: This sequence change replaces proline, which is neutral and non-polar, with leucine, which is neutral and non-polar, at codon 13 of the CRYAB protein (p.Pro13Leu). This variant is present in population databases (no rsID available, gnomAD 0.007%). This variant has not been reported in the literature in individuals affected with CRYAB-related conditions. ClinVar contains an entry for this variant (Variation ID: 1418810). An algorithm developed to predict the effect of missense changes on protein structure and function (PolyPhen-2) suggests that this variant is likely to be disruptive. In summary, the available evidence is currently insufficient to determine the role of this variant in disease. Therefore, it has been classified as a Variant of Uncertain Significance.